The following is an entry in ClinVar:

NM_017534.6(MYH2):c.542C>A (p.Ser181Tyr)

Genes: MYH2 (myosin heavy chain 2; minus strand), MYHAS (myosin heavy chain gene cluster antisense RNA; plus strand), LOC126862501 (CDK7 strongly-dependent group 2 enhancer GRCh37_chr17:10446256-10447455; plus strand). Cytogenetic location: 17p13.1.
Variant type: single nucleotide variant.
Coding change: c.542C>A on transcript NM_017534.6 (MANE Select); coding-DNA position 542, C replaced by A.
Protein change: p.Ser181Tyr; replaces serine 181 with tyrosine.
Molecular consequence: missense variant.
Genome position (GRCh38, 1-based): chr17:10,544,008, G>T on the plus strand (C>A on the coding strand, the complement: MYH2 is on the minus strand). VCF-style: chr17-10544008-G-T. GRCh37 (hg19) VCF-style: chr17-10447325-G-T.
Other names: c.542C>A, p.Ser181Tyr (NM_001100112.2); short protein forms S181Y.
Identifiers: ClinVar variation 2766091 (VCV002766091.3), dbSNP rs2073593459, ClinGen allele CA398170111.

ClinVar aggregate classification (germline): Uncertain significance (1 of 4 stars; one submission).

Conditions:
Myopathy, proximal, and ophthalmoplegia (CMYO6). Also called: INCLUSION BODY MYOPATHY 3, AUTOSOMAL DOMINANT; MYOPATHY WITH CONGENITAL JOINT CONTRACTURES, OPHTHALMOPLEGIA, AND RIMMED VACUOLES; CONGENITAL MYOPATHY 6 WITH OPHTHALMOPLEGIA. Identifiers: Orphanet 363677, Orphanet 79091, MedGen C1854106, MONDO:0011577, OMIM 605637.

Allele frequency attached by ClinVar (database versions not stated): gnomAD exomes below 0.00001.
gnomAD v4.1: 1 of 1,614,188 alleles (0.000062%); highest among the groups gnomAD compares: Non-Finnish European, 0.000085%; no homozygotes.

Submission:

Labcorp Genetics (formerly Invitae), Labcorp
Classification: Uncertain significance for Myopathy, proximal, and ophthalmoplegia. Last evaluated: 2023-11-20. Review status: criteria provided, single submitter. Criteria: Invitae Variant Classification Sherloc (09022015). Collection method: clinical testing. Allele origin: germline.
Comment: This sequence change replaces serine, which is neutral and polar, with tyrosine, which is neutral and polar, at codon 181 of the MYH2 protein (p.Ser181Tyr). This variant is not present in population databases (gnomAD no frequency). This variant has not been reported in the literature in individuals affected with MYH2-related conditions. Advanced modeling of protein sequence and biophysical properties (such as structural, functional, and spatial information, amino acid conservation, physicochemical variation, residue mobility, and thermodynamic stability) performed at Invitae indicates that this missense variant is expected to disrupt MYH2 protein function with a positive predictive value of 80%. In summary, the available evidence is currently insufficient to determine the role of this variant in disease. Therefore, it has been classified as a Variant of Uncertain Significance.